The following is an entry in ClinVar:

NM_006016.6(CD164):c.409A>C (p.Lys137Gln)

Gene: CD164 (CD164 molecule; minus strand). Cytogenetic location: 6q21.
Variant type: single nucleotide variant.
Coding change: c.409A>C on transcript NM_006016.6 (MANE Select); coding-DNA position 409, A replaced by C.
Protein change: p.Lys137Gln; replaces lysine 137 with glutamine.
Molecular consequence: missense variant. On other transcripts: intron variant (1).
Genome position (GRCh38, 1-based): chr6:109,370,429, T>G on the plus strand (A>C on the coding strand, the complement: CD164 is on the minus strand). VCF-style: chr6-109370429-T-G. GRCh37 (hg19) VCF-style: chr6-109691632-T-G.
Other names: c.409A>C (NM_006016.4, NM_006016.5); c.370A>C, p.Lys124Gln (NM_001142401.3); c.409A>C, p.Lys137Gln (NM_001142403.3, NM_001142404.3); c.307A>C, p.Lys103Gln (NM_001346500.2); c.371-1412A>C (NM_001142402.3); short protein forms K137Q, K103Q, K124Q.
Identifiers: ClinVar variation 1386513 (VCV001386513.9), dbSNP rs748276344, ClinGen allele CA3951545.

ClinVar aggregate classification (germline): Uncertain significance. Review status: criteria provided, multiple submitters, no conflicts (2 of 4 stars). 4 submissions from 4 submitters: Uncertain significance (4). Last evaluated 2025-07-03.

Conditions:
CD164-related disorder. Also called: CD164-related condition.

Allele frequency attached by ClinVar (database versions not stated): gnomAD exomes 0.00005; ExAC 0.00006; TOPMed 0.00006; gnomAD 0.00007 and 0.00008.
gnomAD v4.1: 67 of 1,613,098 alleles (0.0042%); highest among the groups gnomAD compares: Non-Finnish European, 0.0052%; no homozygotes.

Submissions (4):

GeneDx
Classification: Uncertain significance. Last evaluated: 2025-07-03. Review status: criteria provided, single submitter. Criteria: GeneDx Variant Classification Process June 2021. Collection method: clinical testing. Allele origin: germline.
Comment: In silico analysis suggests that this missense variant does not alter protein structure/function; Has not been previously published as pathogenic or benign to our knowledge; Variants in candidate genes are classified as variants of uncertain significance in accordance with ACMG guidelines (PMID: 25741868)

PreventionGenetics, part of Exact Sciences
Classification: Uncertain significance for CD164-related condition. Last evaluated: 2025-03-19. Review status: criteria provided, single submitter. Criteria: ACMG Guidelines, 2015. Collection method: clinical testing. Allele origin: germline.
Comment: The CD164 c.409A>C variant is predicted to result in the amino acid substitution p.Lys137Gln. To our knowledge, this variant has not been reported in the literature. This variant is reported in 0.0085% of alleles in individuals of European (Non-Finnish) descent in gnomAD. At this time, the clinical significance of this variant is uncertain due to the absence of conclusive functional and genetic evidence.

Ambry Genetics
Classification: Uncertain significance. Last evaluated: 2025-01-01. Review status: criteria provided, single submitter. Criteria: Ambry Variant Classification Scheme 2023. Collection method: clinical testing. Allele origin: germline.

Labcorp Genetics (formerly Invitae), Labcorp
Classification: Uncertain significance. Last evaluated: 2023-09-15. Review status: criteria provided, single submitter. Criteria: Invitae Variant Classification Sherloc (09022015). Collection method: clinical testing. Allele origin: germline.
Comment: An algorithm developed to predict the effect of missense changes on protein structure and function (PolyPhen-2) suggests that this variant is likely to be disruptive. In summary, the available evidence is currently insufficient to determine the role of this variant in disease. Therefore, it has been classified as a Variant of Uncertain Significance. ClinVar contains an entry for this variant (Variation ID: 1386513). This variant has not been reported in the literature in individuals affected with CD164-related conditions. This variant is present in population databases (rs748276344, gnomAD 0.008%). This sequence change replaces lysine, which is basic and polar, with glutamine, which is neutral and polar, at codon 137 of the CD164 protein (p.Lys137Gln).